The following is an entry in ClinVar:

NM_032242.4(PLXNA1):c.3602T>C (p.Val1201Ala)

Gene: PLXNA1 (plexin A1; plus strand). Cytogenetic location: 3q21.3.
Variant type: single nucleotide variant.
Coding change: c.3602T>C on transcript NM_032242.4 (MANE Select); coding-DNA position 3602, T replaced by C.
Protein change: p.Val1201Ala; replaces valine 1201 with alanine.
Molecular consequence: missense variant.
Genome position (GRCh38, 1-based): chr3:127,017,834, T>C. VCF-style: chr3-127017834-T-C. GRCh37 (hg19) VCF-style: chr3-126736677-T-C.
Other names: short protein forms V1201A.
Identifiers: ClinVar variation 4686780 (VCV004686780.1).

ClinVar aggregate classification (germline): Uncertain significance (1 of 4 stars; one submission).

gnomAD v4.1: 3 of 1,612,938 alleles (0.00019%); highest among the groups gnomAD compares: South Asian, 0.0011%; no homozygotes.

Submission:

GeneDx
Classification: Uncertain significance. Last evaluated: 2023-09-19. Review status: criteria provided, single submitter. Criteria: GeneDx Variant Classification Process June 2021. Collection method: clinical testing. Allele origin: germline. Affected: yes.
Comment: Not observed at significant frequency in large population cohorts (gnomAD); In silico analysis supports that this missense variant has a deleterious effect on protein structure/function; Has not been previously published as pathogenic or benign to our knowledge; Variants in candidate genes are classified as variants of uncertain significance in accordance with ACMG guidelines (Richards et al., 2015)